The following is an entry in ClinVar:

ClinVar aggregate classification (germline): Uncertain significance (1 of 4 stars; one submission).

Conditions:
Nemaline myopathy 2 (NEM2). Also called: Nemaline myopathy 2, autosomal recessive. Identifiers: MedGen C1850569, MONDO:0009725, OMIM 256030.

Submission:

Labcorp Genetics (formerly Invitae), Labcorp
Classification: Uncertain significance for Nemaline myopathy 2. Last evaluated: 2021-02-15. Review status: criteria provided, single submitter. Criteria: Invitae Variant Classification Sherloc (09022015). Collection method: clinical testing. Allele origin: germline.
Comment: In summary, the available evidence is currently insufficient to determine the role of this variant in disease. Therefore, it has been classified as a Variant of Uncertain Significance. Algorithms developed to predict the effect of missense changes on protein structure and function are either unavailable or do not agree on the potential impact of this missense change (SIFT: "Tolerated"; PolyPhen-2: "Not Available"; Align-GVGD: "Class C0"). This variant has not been reported in the literature in individuals with NEB-related conditions. This variant is not present in population databases (ExAC no frequency). This sequence change replaces valine with isoleucine at codon 7251 of the NEB protein (p.Val7251Ile). The valine residue is weakly conserved and there is a small physicochemical difference between valine and isoleucine.

NM_001164508.2(NEB):c.21646G>A (p.Val7216Ile)

Genes: NEB (nebulin; minus strand), RIF1 (replication timing regulatory factor 1; plus strand). Cytogenetic location: 2q23.3.
Variant type: single nucleotide variant.
Coding change: c.21646G>A on transcript NM_001164508.2 (MANE Select); coding-DNA position 21646, G replaced by A.
Protein change: p.Val7216Ile; replaces valine 7216 with isoleucine.
Molecular consequence: missense variant.
Genome position (GRCh38, 1-based): chr2:151,529,299, C>T on the plus strand (G>A on the coding strand, the complement: NEB is on the minus strand). VCF-style: chr2-151529299-C-T. GRCh37 (hg19) VCF-style: chr2-152385813-C-T.
Other names: c.21646G>A, p.Val7216Ile (NM_001164507.2); c.21751G>A, p.Val7251Ile (NM_001271208.2); c.16543G>A, p.Val5515Ile (NM_004543.5); short protein forms V5515I, V7251I, V7216I.
Identifiers: ClinVar variation 1372701 (VCV001372701.8), dbSNP rs2153475893, ClinGen allele CA348769918.